The following is an entry in ClinVar:

ClinVar aggregate classification (germline): Pathogenic/Likely pathogenic. Review status: criteria provided, multiple submitters, no conflicts (2 of 4 stars). 2 submissions from 2 submitters: Pathogenic (1); Likely pathogenic (1). Last evaluated 2024-03-07.

Conditions:
Medulloblastoma (MDB). Also called: MEDULLOBLASTOMA PREDISPOSITION SYNDROME; Medulloblastoma, somatic. Identifiers: Orphanet 616, MedGen C0025149, MeSH D008527, MONDO:0007959, OMIM 155255, HP:0002885.
Familial dysautonomia. Also called: HSAN III; FD. Identifiers: Orphanet 1764, MedGen C0013364, MONDO:0009131, OMIM 223900. Disease mechanism: loss of function.

Allele frequency attached by ClinVar (database versions not stated): gnomAD exomes 0.00001.
gnomAD v4.1: 5 of 1,613,108 alleles (0.00031%); highest among the groups gnomAD compares: Non-Finnish European, 0.00042%; no homozygotes.

Submissions (2):

Fulgent Genetics
Classification: Likely pathogenic for Medulloblastoma; Familial dysautonomia. Last evaluated: 2024-03-07. Review status: criteria provided, single submitter. Criteria: ACMG Guidelines, 2015. Collection method: clinical testing. Allele origin: germline.

Labcorp Genetics (formerly Invitae), Labcorp
Classification: Pathogenic. Last evaluated: 2021-03-11. Review status: criteria provided, single submitter. Criteria: Invitae Variant Classification Sherloc (09022015). Collection method: clinical testing. Allele origin: germline.
Comment: For these reasons, this variant has been classified as Pathogenic. This variant has not been reported in the literature in individuals with ELP1-related conditions. This variant is not present in population databases (ExAC no frequency). This sequence change creates a premature translational stop signal (p.Gln674*) in the ELP1 gene. It is expected to result in an absent or disrupted protein product. Loss-of-function variants in ELP1 are known to be pathogenic (PMID: 18303054, 24173031).

Literature cited by the submitters: PubMed 18303054 (cited by Labcorp Genetics (formerly Invitae), Labcorp); PubMed 24173031 (cited by Labcorp Genetics (formerly Invitae), Labcorp).

NM_003640.5(ELP1):c.2020C>T (p.Gln674Ter)

Gene: ELP1 (elongator acetyltransferase complex subunit 1; minus strand). Cytogenetic location: 9q31.3.
Variant type: single nucleotide variant.
Coding change: c.2020C>T on transcript NM_003640.5 (MANE Select); coding-DNA position 2020, C replaced by T.
Protein change: p.Gln674Ter; replaces glutamine 674 with a stop codon.
Molecular consequence: nonsense.
Genome position (GRCh38, 1-based): chr9:108,900,370, G>A on the plus strand (C>T on the coding strand, the complement: ELP1 is on the minus strand). VCF-style: chr9-108900370-G-A. GRCh37 (hg19) VCF-style: chr9-111662650-G-A.
Other names: c.1678C>T, p.Gln560Ter (NM_001318360.2); c.973C>T, p.Gln325Ter (NM_001330749.2); short protein forms Q325*, Q560*, Q674*.
Identifiers: ClinVar variation 1361491 (VCV001361491.7), dbSNP rs2131988821, ClinGen allele CA374423567.